The following is an entry in ClinVar:

NM_001143981.2(CHRDL1):c.652C>T (p.Arg218Ter)

Gene: CHRDL1 (chordin like 1; minus strand). Cytogenetic location: Xq23.
Variant type: single nucleotide variant.
Coding change: c.652C>T on transcript NM_001143981.2 (MANE Select); coding-DNA position 652, C replaced by T.
Protein change: p.Arg218Ter; replaces arginine 218 with a stop codon.
Molecular consequence: nonsense. On other transcripts: non-coding transcript variant (1).
Genome position (GRCh38, 1-based): chrX:110,694,289, G>A on the plus strand (C>T on the coding strand, the complement: CHRDL1 is on the minus strand). VCF-style: chrX-110694289-G-A. GRCh37 (hg19) VCF-style: chrX-109937517-G-A.
Other names: c.649C>T, p.Arg217Ter (NM_001143982.2, NM_001367207.1, NM_145234.4); c.412C>T, p.Arg138Ter (NM_001143983.3); c.652C>T, p.Arg218Ter (NM_001367204.1, NM_001367205.1, NM_001367206.1 and 2 more transcripts); c.652C>T (NM_001143981.1); short protein forms R218*, R217*, R138*.
Identifiers: ClinVar variation 29961 (VCV000029961.3), dbSNP rs387906714, ClinGen allele CA128796.

ClinVar aggregate classification (germline): Pathogenic. Review status: criteria provided, multiple submitters, no conflicts (2 of 4 stars). 3 submissions from 3 submitters: Pathogenic (2). 1 of the submissions does not count toward it. Last evaluated 2026-07-15.

Conditions:
CHRDL1-related disorder. Also called: CHRDL1-related condition.
Isolated congenital megalocornea (MGC1). Identifiers: Orphanet 91489, MedGen C4518341, MONDO:0010649, OMIM 309300.
Megalocornea. Also called: MGCN. Identifiers: MedGen C5574682, MONDO:0009576, OMIM 249300, HP:0000485.

Allele frequency attached by ClinVar (database versions not stated): gnomAD exomes below 0.00001.

Submissions (3):

PreventionGenetics, part of Exact Sciences
Classification: Pathogenic for CHRDL1-related condition. Last evaluated: 2026-07-15. Review status: criteria provided, single submitter. Criteria: ACMG Guidelines, 2015. Collection method: clinical testing. Allele origin: germline.
Comment: The CHRDL1 c.652C>T variant is predicted to result in premature protein termination (p.Arg218*). This variant has been reported as segregating with disease in a kindred with megalocornea (Family 6, Webb et al. 2012. PubMed ID: 22284829). This variant is absent in a large population database (gnomAD), indicating this variant is rare. Nonsense variants in CHRDL1 are an established mechanism of disease. This variant is interpreted as pathogenic.

Juno Genomics, Hangzhou Juno Genomics, Inc
Classification: Pathogenic for Isolated congenital megalocornea. Review status: criteria provided, single submitter. Criteria: ACMG Guidelines, 2015. Collection method: clinical testing. Allele origin: germline.
Comment: Absent from controls (or at extremely low frequency if recessive) in Genome Aggregation Database.;Null variant in a gene where loss of function (LOF) is a known mechanism of disease.;Co-segregation with disease in multiple affected family members.

OMIM
Classification: Pathogenic for MEGALOCORNEA. Last evaluated: 2012-02-10. Review status: no assertion criteria provided. Collection method: literature only. Allele origin: germline. Not counted in ClinVar's aggregate classification.

Literature cited by the submitters: Webb, T. R., Matarin, M., Gardner, J. C., Kelberman, D., Hassan, H., Ang, W., Michaelides, M., Ruddle, J. B., Pennell, C. E., Yazar, S., Khor, C. C., Aung, T., and 11 others X-linked megalocornea caused by mutations in CHRDL1 identifies an essential role for ventroptin in anterior segment development. Am. J. Hum. Genet. 90: 247-259, 2012. (cited by OMIM).